The following is an entry in ClinVar:

NM_001194.4(HCN2):c.1421G>A (p.Arg474His)

Gene: HCN2 (hyperpolarization activated cyclic nucleotide gated potassium and sodium channel 2; plus strand). Cytogenetic location: 19p13.3.
Variant type: single nucleotide variant.
Coding change: c.1421G>A on transcript NM_001194.4 (MANE Select); coding-DNA position 1421, G replaced by A.
Protein change: p.Arg474His; replaces arginine 474 with histidine.
Molecular consequence: missense variant.
Genome position (GRCh38, 1-based): chr19:608,166, G>A. VCF-style: chr19-608166-G-A. GRCh37 (hg19) VCF-style: chr19-608166-G-A.
Other names: short protein forms R474H.
Identifiers: ClinVar variation 2430960 (VCV002430960.2), dbSNP rs1983486416, ClinGen allele CA402878007.
Genomic context (GRCh38, chr19:608,166, plus strand): 5'-GCTACGCCATGTTCATCGGCCACGCCACTGCCCTCATCCAGTCGCTGGACTCCTCGCGGC[G>A]CCAGTACCAGGAGAAGGTCTGAGGGAGGCGGGCCCCGGCCTGGGTTCTGATGGGGGAGGC-3'
Protein context (NP_001185.3, residues 464-484): ALIQSLDSSR[Arg474His]QYQEKYKQVE

ClinVar aggregate classification (germline): Uncertain significance (1 of 4 stars; one submission).

Submission:

GeneDx
Classification: Uncertain significance. Last evaluated: 2023-05-05. Review status: criteria provided, single submitter. Criteria: GeneDx Variant Classification Process June 2021. Collection method: clinical testing. Allele origin: germline.
Comment: Not observed at significant frequency in large population cohorts (gnomAD); In silico analysis supports that this missense variant has a deleterious effect on protein structure/function; Has not been previously published as pathogenic or benign to our knowledge